The following is an entry in ClinVar:

NM_198578.4(LRRK2):c.7085C>G (p.Ala2362Gly)

Gene: LRRK2 (leucine rich repeat kinase 2; plus strand). Cytogenetic location: 12q12.
Variant type: single nucleotide variant.
Coding change: c.7085C>G on transcript NM_198578.4 (MANE Select); coding-DNA position 7085, C replaced by G.
Protein change: p.Ala2362Gly; replaces alanine 2362 with glycine.
Molecular consequence: missense variant.
Genome position (GRCh38, 1-based): chr12:40,363,458, C>G. VCF-style: chr12-40363458-C-G. GRCh37 (hg19) VCF-style: chr12-40757260-C-G.
Other names: short protein forms A2362G.
Identifiers: ClinVar variation 2587300 (VCV002587300.2), dbSNP rs1025189687, ClinGen allele CA384413294.
Genomic context (GRCh38, chr12:40,363,458, plus strand): 5'-GTAGGTTTTCTTATGCAGCTTTCAGTGATTCCAACATCATAACAGTGGTGGTAGACACTG[C>G]TCTCTATATTGCTAAGCAAAATAGCCCTGTTGTGGAAGTGTGGGATAAGAAAACTGAAAA-3'
Protein context (NP_940980.4, residues 2352-2372): SNIITVVVDT[Ala2362Gly]LYIAKQNSPV

ClinVar aggregate classification (germline): Uncertain significance (1 of 4 stars; one submission).

Conditions:
Inborn genetic diseases. Identifiers: MedGen C0950123, MeSH D030342.

Submission:

Ambry Genetics
Classification: Uncertain significance for Inborn genetic diseases. Last evaluated: 2023-09-04. Review status: criteria provided, single submitter. Criteria: Ambry Variant Classification Scheme 2023. Collection method: clinical testing. Allele origin: germline.
Comment: The p.A2362G variant (also known as c.7085C>G), located in coding exon 48 of the LRRK2 gene, results from a C to G substitution at nucleotide position 7085. The alanine at codon 2362 is replaced by glycine, an amino acid with similar properties. This amino acid position is conserved. In addition, this alteration is predicted to be tolerated by in silico analysis. Since supporting evidence is limited at this time, the clinical significance of this alteration remains unclear.